The following is an entry in ClinVar:

ClinVar aggregate classification (germline): Uncertain significance. Review status: criteria provided, multiple submitters, no conflicts (2 of 4 stars). 2 submissions from 2 submitters: Uncertain significance (2). Last evaluated 2025-10-13.

Conditions:
Dilated cardiomyopathy 1G (CMD1G). Identifiers: Orphanet 154, MedGen C1858763, MONDO:0011400, OMIM 604145.
Autosomal recessive limb-girdle muscular dystrophy type 2J (LGMDR10). Also called: Limb-girdle muscular dystrophy, type 2J; MUSCULAR DYSTROPHY, LIMB-GIRDLE, AUTOSOMAL RECESSIVE 10. Identifiers: Orphanet 140922, MedGen C1837342, MONDO:0012127, OMIM 608807.

gnomAD v4.1: 1 of 1,613,932 alleles (0.000062%); no homozygotes.

Submissions (2):

Labcorp Genetics (formerly Invitae), Labcorp
Classification: Uncertain significance for Dilated cardiomyopathy 1G; Autosomal recessive limb-girdle muscular dystrophy type 2J. Last evaluated: 2025-10-13. Review status: criteria provided, single submitter. Criteria: Invitae Variant Classification Sherloc (09022015). Collection method: clinical testing. Allele origin: germline.
Comment: This sequence change replaces serine, which is neutral and polar, with alanine, which is neutral and non-polar, at codon 34566 of the TTN protein (p.Ser34566Ala). This variant is not present in population databases (gnomAD no frequency). This variant has not been reported in the literature in individuals affected with TTN-related conditions. ClinVar contains an entry for this variant (Variation ID: 1694984). Experimental studies and prediction algorithms are not available or were not evaluated, and the functional significance of this variant is currently unknown. This variant is located in the M band of TTN (PMID: 25589632). Non-truncating variants in this region may be relevant for neuromuscular disorders, but have not been definitively shown to cause cardiomyopathy (PMID: 23975875). In summary, the available evidence is currently insufficient to determine the role of this variant in disease. Therefore, it has been classified as a Variant of Uncertain Significance.

CeGaT Center for Human Genetics Tuebingen
Classification: Uncertain significance. Last evaluated: 2022-05-01. Review status: criteria provided, single submitter. Criteria: Praxis fuer Humangenetik Tuebingen - Variant Classification Criteria. Collection method: clinical testing. Allele origin: germline. Affected: yes. Observed: 1 variant allele.

Literature cited by the submitters: PubMed 25589632 (cited by Labcorp Genetics (formerly Invitae), Labcorp); PubMed 23975875 (cited by Labcorp Genetics (formerly Invitae), Labcorp).

NM_001267550.2(TTN):c.103696T>G (p.Ser34566Ala)

Genes: TTN (titin; minus strand), TTN-AS1 (TTN antisense RNA 1; plus strand). Cytogenetic location: 2q31.2.
Variant type: single nucleotide variant.
Coding change: c.103696T>G on transcript NM_001267550.2 (MANE Select); coding-DNA position 103696, T replaced by G.
Protein change: p.Ser34566Ala; replaces serine 34566 with alanine.
Molecular consequence: missense variant.
Genome position (GRCh38, 1-based): chr2:178,532,919, A>C on the plus strand (T>G on the coding strand, the complement: TTN is on the minus strand). VCF-style: chr2-178532919-A-C. GRCh37 (hg19) VCF-style: chr2-179397646-A-C.
Other names: c.98773T>G, p.Ser32925Ala (NM_001256850.1); c.76501T>G, p.Ser25501Ala (NM_003319.4); c.95992T>G, p.Ser31998Ala (NM_133378.4); c.76876T>G, p.Ser25626Ala (NM_133432.3); c.77077T>G, p.Ser25693Ala (NM_133437.4); short protein forms S25501A, S25626A, S25693A, S31998A, S32925A, S34566A.
Identifiers: ClinVar variation 1694984 (VCV001694984.4), dbSNP rs556060586, ClinGen allele CA60956928.